The following is an entry in ClinVar:

NM_005548.3(KARS1):c.1044C>G (p.His348Gln)

Gene: KARS1 (lysyl-tRNA synthetase 1; minus strand). Cytogenetic location: 16q23.1.
Variant type: single nucleotide variant.
Coding change: c.1044C>G on transcript NM_005548.3 (MANE Select); coding-DNA position 1044, C replaced by G.
Protein change: p.His348Gln; replaces histidine 348 with glutamine.
Molecular consequence: missense variant.
Genome position (GRCh38, 1-based): chr16:75,631,727, G>C on the plus strand (C>G on the coding strand, the complement: KARS1 is on the minus strand). VCF-style: chr16-75631727-G-C. GRCh37 (hg19) VCF-style: chr16-75665625-G-C.
Other names: c.1128C>G, p.His376Gln (NM_001130089.2); c.576C>G, p.His192Gln (NM_001378148.1); short protein forms H348Q, H192Q, H376Q.
Identifiers: ClinVar variation 1934157 (VCV001934157.2), dbSNP rs970269077, ClinGen allele CA396812042.

ClinVar aggregate classification (germline): Uncertain significance (1 of 4 stars; one submission).

gnomAD v4.1: 2 of 1,614,172 alleles (0.00012%); highest among the groups gnomAD compares: Non-Finnish European, 0.00017%; no homozygotes.

Submission:

Labcorp Genetics (formerly Invitae), Labcorp
Classification: Uncertain significance. Last evaluated: 2022-10-08. Review status: criteria provided, single submitter. Criteria: Invitae Variant Classification Sherloc (09022015). Collection method: clinical testing. Allele origin: germline.
Comment: This sequence change replaces histidine, which is basic and polar, with glutamine, which is neutral and polar, at codon 376 of the KARS protein (p.His376Gln). This variant is not present in population databases (gnomAD no frequency). This variant has not been reported in the literature in individuals affected with KARS-related conditions. Advanced modeling of protein sequence and biophysical properties (such as structural, functional, and spatial information, amino acid conservation, physicochemical variation, residue mobility, and thermodynamic stability) performed at Invitae indicates that this missense variant is not expected to disrupt KARS protein function. In summary, the available evidence is currently insufficient to determine the role of this variant in disease. Therefore, it has been classified as a Variant of Uncertain Significance.